The following is an entry in ClinVar:

ClinVar aggregate classification (germline): Uncertain significance (1 of 4 stars; one submission).

Conditions:
Evans syndrome, immunodeficiency, and premature immunosenescence associated with tripeptidyl-peptidase II deficiency. Identifiers: MedGen CN231723. Disease mechanism: loss of function.

Allele frequency attached by ClinVar (database versions not stated): gnomAD exomes below 0.00001; TOPMed 0.00001.
gnomAD v4.1: 5 of 1,608,514 alleles (0.00031%); highest among the groups gnomAD compares: South Asian, 0.0011%; no homozygotes.

Submission:

Labcorp Genetics (formerly Invitae), Labcorp
Classification: Uncertain significance for Evans syndrome, immunodeficiency, and premature immunosenescence associated with tripeptidyl-peptidase II deficiency. Last evaluated: 2023-07-21. Review status: criteria provided, single submitter. Criteria: Invitae Variant Classification Sherloc (09022015). Collection method: clinical testing. Allele origin: germline.
Comment: In summary, the available evidence is currently insufficient to determine the role of this variant in disease. Therefore, it has been classified as a Variant of Uncertain Significance. Variants that disrupt the consensus splice site are a relatively common cause of aberrant splicing (PMID: 17576681, 9536098). Algorithms developed to predict the effect of sequence changes on RNA splicing suggest that this variant is not likely to affect RNA splicing. This variant has not been reported in the literature in individuals affected with TPP2-related conditions. This variant is present in population databases (no rsID available, gnomAD 0.0009%). This sequence change falls in intron 6 of the TPP2 gene. It does not directly change the encoded amino acid sequence of the TPP2 protein. It affects a nucleotide within the consensus splice site.

Literature cited by the submitters: PubMed 17576681; PubMed 9536098.

NM_001330588.2(TPP2):c.784+5C>A

Gene: TPP2 (tripeptidyl peptidase 2; plus strand). Cytogenetic location: 13q33.1.
Variant type: single nucleotide variant.
Coding change: c.784+5C>A on transcript NM_001330588.2 (MANE Select); 5 bases into the intron after coding-DNA position 784, C replaced by A.
Molecular consequence: intron variant.
Genome position (GRCh38, 1-based): chr13:102,623,045, C>A. VCF-style: chr13-102623045-C-A. GRCh37 (hg19) VCF-style: chr13-103275395-C-A.
Other names: c.784+5C>A (NM_001367947.1, NM_003291.4).
Identifiers: ClinVar variation 2803039 (VCV002803039.3), dbSNP rs1419816689, ClinGen allele CA612359465.